The following is an entry in ClinVar:

ClinVar aggregate classification (germline): Uncertain significance (1 of 4 stars; one submission).

Conditions:
Neuronal ceroid lipofuscinosis. Also called: Neuronal Ceroid Lipofuscinoses. Identifiers: Orphanet 216, Orphanet 79263, MedGen C0027877, MONDO:0016295. Disease mechanism: loss of function.

Allele frequency attached by ClinVar (database versions not stated): gnomAD 0.00001; gnomAD exomes 0.00001; TOPMed 0.00001; ExAC 0.00002.
gnomAD v4.1: 12 of 1,614,076 alleles (0.00074%); no homozygotes.

Submission:

Labcorp Genetics (formerly Invitae), Labcorp
Classification: Uncertain significance for Neuronal ceroid lipofuscinosis. Last evaluated: 2021-08-27. Review status: criteria provided, single submitter. Criteria: Invitae Variant Classification Sherloc (09022015). Collection method: clinical testing. Allele origin: germline.
Comment: This sequence change replaces proline with leucine at codon 83 of the CLN3 protein (p.Pro83Leu). The proline residue is weakly conserved and there is a moderate physicochemical difference between proline and leucine. This variant is present in population databases (rs749503213, ExAC 0.004%). This variant has not been reported in the literature in individuals affected with CLN3-related conditions. Algorithms developed to predict the effect of missense changes on protein structure and function (SIFT, PolyPhen-2, Align-GVGD) all suggest that this variant is likely to be tolerated. In summary, the available evidence is currently insufficient to determine the role of this variant in disease. Therefore, it has been classified as a Variant of Uncertain Significance.

NM_001042432.2(CLN3):c.248C>T (p.Pro83Leu)

Gene: CLN3 (CLN3 lysosomal/endosomal transmembrane protein, battenin; minus strand). Cytogenetic location: 16p12.1.
Variant type: single nucleotide variant.
Coding change: c.248C>T on transcript NM_001042432.2 (MANE Select); coding-DNA position 248, C replaced by T.
Protein change: p.Pro83Leu; replaces proline 83 with leucine.
Molecular consequence: missense variant. On other transcripts: intron variant (2).
Genome position (GRCh38, 1-based): chr16:28,488,637, G>A on the plus strand (C>T on the coding strand, the complement: CLN3 is on the minus strand). VCF-style: chr16-28488637-G-A. GRCh37 (hg19) VCF-style: chr16-28499958-G-A.
Other names: c.248C>T, p.Pro83Leu (NM_000086.2); c.28C>T, p.Pro10Ser (NM_001286105.2); c.86C>T, p.Pro29Leu (NM_001286110.2); c.60+653C>T (NM_001286109.2); c.222+653C>T (NM_001286104.2); short protein forms P10S, P29L, P83L.
Identifiers: ClinVar variation 1976915 (VCV001976915.2), dbSNP rs749503213, ClinGen allele CA7981004.